The following is an entry in ClinVar:

ClinVar aggregate classification (germline): Likely pathogenic (1 of 4 stars; one submission).

Conditions:
Early-infantile DEE. Also called: Ohtahara syndrome; Early infantile epileptic encephalopathy with suppression bursts; Early infantile epileptic encephalopathy. Identifiers: Orphanet 1934, MedGen C0393706, MONDO:0800491.

Submission:

Labcorp Genetics (formerly Invitae), Labcorp
Classification: Likely pathogenic for Early-infantile DEE. Last evaluated: 2025-07-27. Review status: criteria provided, single submitter. Criteria: Invitae Variant Classification Sherloc (09022015). Collection method: clinical testing. Allele origin: germline.
Comment: This sequence change replaces proline, which is neutral and non-polar, with leucine, which is neutral and non-polar, at codon 1739 of the SCN1A protein (p.Pro1739Leu). This variant is not present in population databases (gnomAD no frequency). This missense change has been observed in individual(s) with generalized epilepsy with febrile seizures, plus (PMID: 21248271). Invitae Evidence Modeling of protein sequence and biophysical properties (such as structural, functional, and spatial information, amino acid conservation, physicochemical variation, residue mobility, and thermodynamic stability) indicates that this missense variant is expected to disrupt SCN1A protein function with a positive predictive value of 95%. This variant disrupts the p.Pro1739 amino acid residue in SCN1A. Other variant(s) that disrupt this residue have been determined to be pathogenic (internal data). This suggests that this residue is clinically significant, and that variants that disrupt this residue are likely to be disease-causing. In summary, the currently available evidence indicates that the variant is pathogenic, but additional data are needed to prove that conclusively. Therefore, this variant has been classified as Likely Pathogenic.

Literature cited by the submitters: PubMed 21248271.

NM_001165963.4(SCN1A):c.5216C>T (p.Pro1739Leu)

Genes: SCN1A (sodium voltage-gated channel alpha subunit 1; minus strand), LOC102724058 (uncharacterized LOC102724058; plus strand). Cytogenetic location: 2q24.3.
Variant type: single nucleotide variant.
Coding change: c.5216C>T on transcript NM_001165963.4 (MANE Select); coding-DNA position 5216, C replaced by T.
Protein change: p.Pro1739Leu; replaces proline 1739 with leucine.
Molecular consequence: missense variant. On other transcripts: non-coding transcript variant (1).
Genome position (GRCh38, 1-based): chr2:165,992,059, G>A on the plus strand (C>T on the coding strand, the complement: SCN1A is on the minus strand). VCF-style: chr2-165992059-G-A. GRCh37 (hg19) VCF-style: chr2-166848569-G-A.
Other names: c.5132C>T, p.Pro1711Leu (NM_001165964.3, NM_001353957.2, NM_001353958.2); c.5216C>T, p.Pro1739Leu (NM_001202435.3, NM_001353948.2); c.5183C>T, p.Pro1728Leu (NM_001353949.2, NM_001353950.2, NM_001353951.2 and 2 more transcripts); c.5180C>T, p.Pro1727Leu (NM_001353954.2, NM_001353955.2); c.5129C>T, p.Pro1710Leu (NM_001353960.2); c.2774C>T, p.Pro925Leu (NM_001353961.2); short protein forms P1728L, P1711L, P1710L, P1727L, P925L, P1739L.
Identifiers: ClinVar variation 4747033 (VCV004747033.1).